The following is an entry in ClinVar:

NM_004993.6(ATXN3):c.916_917insAGCAGCAGCAGCAGCAGCAGCAGCAGCAGCAGCAGCAGG (p.Gln305_Gly306insGluGlnGlnGlnGlnGlnGlnGlnGlnGlnGlnGlnGln)

Gene: ATXN3 (ataxin 3; minus strand). Cytogenetic location: 14q32.12.
Variant type: Insertion.
Coding change: c.916_917insAGCAGCAGCAGCAGCAGCAGCAGCAGCAGCAGCAGCAGG on transcript NM_004993.6 (MANE Select); coding-DNA positions 916 to 917, AGCAGCAGCAGCAGCAGCAGCAGCAGCAGCAGCAGCAGG inserted.
Protein change: p.Gln305_Gly306insGluGlnGlnGlnGlnGlnGlnGlnGlnGlnGlnGlnGln.
Molecular consequence: inframe insertion. On other transcripts: non-coding transcript variant (21), inframe indel (2).
Genome position: GRCh38: chr14:92,071,034-92,071,035. GRCh37 (hg19): chr14:92,537,378-92,537,379.
Other names: c.933_934insCAGCAGCAGCAGCAGCAGCAGCAGGAGCAGCAGCAGCAG, p.Gln319_Gly320insGluGlnGlnGlnGlnGlnGlnGlnGlnGlnGlnGlnGln (NM_001424070.1); c.751_752insAGCAGCAGCAGCAGCAGCAGCAGCAGCAGCAGCAGCAGG, p.Gln250_Gly251insGluGlnGlnGlnGlnGlnGlnGlnGlnGlnGlnGlnGln (NM_030660.5); c.871_872insAGCAGCAGCAGCAGCAGCAGCAGCAGCAGCAGCAGCAGG, p.Gln290_Gly291insGluGlnGlnGlnGlnGlnGlnGlnGlnGlnGlnGlnGln (NM_001127696.2); c.763_764insAGCAGCAGCAGCAGCAGCAGCAGCAGCAGCAGCAGCAGG, p.Gln254_Gly255insGluGlnGlnGlnGlnGlnGlnGlnGlnGlnGlnGlnGln (NM_001127697.3); c.233_234insAGCAGCAGCAGCAGCAGCAGCAGCAGCAGCAGCAGCAGG, p.Gly78_Gly79insAlaAlaAlaAlaAlaAlaAlaAlaAlaAlaAlaAlaGly (NM_001164774.2); c.168_169insCAGCAGCAGCAGCAGCAGCAGCAGGAGCAGCAGCAGCAG, p.Gln64_Gly65insGluGlnGlnGlnGlnGlnGlnGlnGlnGlnGlnGlnGln (NM_001164775.1); c.278_279insAGCAGCAGCAGCAGCAGCAGCAGCAGCAGCAGCAGCAGG, p.Gly93_Gly94insAlaAlaAlaAlaAlaAlaAlaAlaAlaAlaAlaAlaGly (NM_001164776.2); c.113_114insAGCAGCAGCAGCAGCAGCAGCAGCAGCAGCAGCAGCAGG, p.Gly38_Gly39insAlaAlaAlaAlaAlaAlaAlaAlaAlaAlaAlaAlaGly (NM_001164777.2); and 5 more.
Identifiers: ClinVar variation 3025693 (VCV003025693.22), dbSNP rs2543541052, ClinGen allele CA2740097185.

ClinVar aggregate classification (germline): Likely benign (1 of 4 stars; one submission).

Submission:

CeGaT Center for Human Genetics Tuebingen
Classification: Likely benign. Last evaluated: 2023-12-01. Review status: criteria provided, single submitter. Criteria: CeGaT Center For Human Genetics Tuebingen Variant Classification Criteria Version 2. Collection method: clinical testing. Allele origin: germline. Affected: yes. Observed: 1 variant allele.
Comment: ATXN3: BS2